The following is an entry in ClinVar:

NM_005909.5(MAP1B):c.3108G>A (p.Pro1036=)

Gene: MAP1B (microtubule associated protein 1B; plus strand). Cytogenetic location: 5q13.2.
Variant type: single nucleotide variant.
Coding change: c.3108G>A on transcript NM_005909.5 (MANE Select); coding-DNA position 3108, G replaced by A.
Protein change: p.Pro1036=; no amino-acid change (proline 1036 retained).
Molecular consequence: synonymous variant.
Genome position (GRCh38, 1-based): chr5:72,196,463, G>A. VCF-style: chr5-72196463-G-A. GRCh37 (hg19) VCF-style: chr5-71492290-G-A.
Other names: c.2730G>A, p.Pro910= (NM_001324255.2).
Identifiers: ClinVar variation 3046248 (VCV003046248.2), dbSNP rs150527364, ClinGen allele CA3298939.

ClinVar aggregate classification (germline): Likely benign (0 of 4 stars; one submission).

Conditions:
MAP1B-related disorder. Also called: MAP1B-related condition.

Allele frequency attached by ClinVar (database versions not stated): gnomAD 0.00009; gnomAD exomes 0.00009; ESP Exome Variant Server 0.00015; ExAC 0.00017.
gnomAD v4.1: 155 of 1,613,600 alleles (0.0096%); highest among the groups gnomAD compares: Middle Eastern, 0.016%; no homozygotes.

Submission:

PreventionGenetics, part of Exact Sciences
Classification: Likely benign for MAP1B-related condition. Last evaluated: 2023-05-30. Review status: no assertion criteria provided. Collection method: clinical testing. Allele origin: germline.
Comment: This variant is classified as likely benign based on ACMG/AMP sequence variant interpretation guidelines (Richards et al. 2015 PMID: 25741868, with internal and published modifications).